The following is an entry in ClinVar:

NM_000545.8(HNF1A):c.1541del (p.His514fs)

Gene: HNF1A (HNF1 homeobox A; plus strand). Cytogenetic location: 12q24.31.
Variant type: Deletion.
Coding change: c.1541del on transcript NM_000545.8 (MANE Select); coding-DNA position 1541, one base deleted (A; older notation c.1541delA).
Protein change: p.His514fs; shifts the reading frame from histidine 514.
Molecular consequence: frameshift variant.
Genome position (GRCh38, 1-based): chr12:120,999,307, A deleted. VCF-style (leftmost placement, unchanged base first): chr12-120999306-CA-C. GRCh37 (hg19) VCF-style: chr12-121437109-CA-C.
Other names: c.1541del, p.His514fs (NM_001306179.2); c.1349del, p.His450fs (NM_001406915.1); short protein forms H514fs, H450fs.
Identifiers: ClinVar variation 2763940 (VCV002763940.3), dbSNP rs2500009157, ClinGen allele CA2697551549.

ClinVar aggregate classification (germline): Pathogenic (1 of 4 stars; one submission).

Submission:

Labcorp Genetics (formerly Invitae), Labcorp
Classification: Pathogenic. Last evaluated: 2025-06-16. Review status: criteria provided, single submitter. Criteria: Invitae Variant Classification Sherloc (09022015). Collection method: clinical testing. Allele origin: germline.
Comment: This sequence change creates a premature translational stop signal (p.His514Profs*17) in the HNF1A gene. It is expected to result in an absent or disrupted protein product. Loss-of-function variants in HNF1A are known to be pathogenic (PMID: 15928245, 18003757). This variant is not present in population databases (gnomAD no frequency). This variant has not been reported in the literature in individuals affected with HNF1A-related conditions. ClinVar contains an entry for this variant (Variation ID: 2763940). For these reasons, this variant has been classified as Pathogenic.

Literature cited by the submitters: PubMed 15928245; PubMed 18003757.